The following is an entry in ClinVar:

ClinVar aggregate classification (germline): Conflicting classifications of pathogenicity. Review status: criteria provided, conflicting classifications (1 of 4 stars). 2 submissions from 2 submitters: Uncertain significance (1); Likely benign (1). Last evaluated 2023-03-23.

Conditions:
Hereditary cancer-predisposing syndrome. Also called: Hereditary Cancer Syndrome; Tumor predisposition; Hereditary neoplastic syndrome; Neoplastic Syndromes, Hereditary. Identifiers: Orphanet 140162, MedGen C0027672, MeSH D009386, MONDO:0015356.
Hereditary breast ovarian cancer syndrome. Also called: Hereditary breast and ovarian cancer syndrome; Hereditary breast and ovarian cancer syndrome (HBOC); Breast and ovarian cancer; Hereditary breast and/or ovarian cancer syndrome; BRCA1- and BRCA2-Associated Hereditary Breast and Ovarian Cancer; Hereditary breast and ovarian cancer. Identifiers: Orphanet 145, MedGen C0677776, MeSH D061325, MONDO:0003582. Disease mechanism: loss of function.

Submissions (2):

University of Washington Department of Laboratory Medicine, University of Washington
Classification: Likely benign for Hereditary cancer-predisposing syndrome. Last evaluated: 2023-03-23. Review status: criteria provided, single submitter. Criteria: Dines et al. (Genet Med. 2020). Collection method: curation. Allele origin: germline.
Comment: Missense variant in a coldspot region where missense variants are very unlikely to be pathogenic (PMID:31911673).

BRCA2 exon 11 coldspot. Reclassification based on statistical prior probability.

Labcorp Genetics (formerly Invitae), Labcorp
Classification: Uncertain significance for Hereditary breast ovarian cancer syndrome. Last evaluated: 2022-01-05. Review status: criteria provided, single submitter. Criteria: Invitae Variant Classification Sherloc (09022015). Collection method: clinical testing. Allele origin: germline.
Comment: In summary, the available evidence is currently insufficient to determine the role of this variant in disease. Therefore, it has been classified as a Variant of Uncertain Significance. Advanced modeling of protein sequence and biophysical properties (such as structural, functional, and spatial information, amino acid conservation, physicochemical variation, residue mobility, and thermodynamic stability) performed at Invitae indicates that this missense variant is not expected to disrupt BRCA2 protein function. This variant has not been reported in the literature in individuals affected with BRCA2-related conditions. This variant is not present in population databases (gnomAD no frequency). This sequence change replaces lysine, which is basic and polar, with arginine, which is basic and polar, at codon 1381 of the BRCA2 protein (p.Lys1381Arg).

NM_000059.4(BRCA2):c.4142A>G (p.Lys1381Arg)

Gene: BRCA2 (BRCA2 DNA repair associated; plus strand). Cytogenetic location: 13q13.1.
Variant type: single nucleotide variant.
Coding change: c.4142A>G on transcript NM_000059.4 (MANE Select); coding-DNA position 4142, A replaced by G.
Protein change: p.Lys1381Arg; replaces lysine 1381 with arginine.
Molecular consequence: missense variant.
Genome position (GRCh38, 1-based): chr13:32,338,497, A>G. VCF-style: chr13-32338497-A-G. GRCh37 (hg19) VCF-style: chr13-32912634-A-G.
Other names: c.4142A>G, p.Lys1381Arg (NM_001406719.1, NM_001406720.1); short protein forms K1381R.
Identifiers: ClinVar variation 2075012 (VCV002075012.6), dbSNP rs2072497365, ClinGen allele CA387779422.
Genomic context (GRCh38, chr13:32,338,497, plus strand): 5'-AGCACAACATATGTCTTAAATTATCTGGCCAGTTTATGAAGGAGGGAAACACTCAGATTA[A>G]AGAAGATTTGTCAGATTTAACTTTTTTGGAAGTTGCGAAAGCTCAAGAAGCATGTCATGG-3'
Protein context (NP_000050.3, residues 1371-1391): QFMKEGNTQI[Lys1381Arg]EDLSDLTFLE